The following is an entry in ClinVar:

NM_004815.4(ARHGAP29):c.3366T>A (p.Thr1122=)

Gene: ARHGAP29 (Rho GTPase activating protein 29; minus strand). Cytogenetic location: 1p22.1.
Variant type: single nucleotide variant.
Coding change: c.3366T>A on transcript NM_004815.4 (MANE Select); coding-DNA position 3366, T replaced by A.
Protein change: p.Thr1122=; no amino-acid change (threonine 1122 retained).
Molecular consequence: synonymous variant.
Genome position (GRCh38, 1-based): chr1:94,174,289, A>T on the plus strand (T>A on the coding strand, the complement: ARHGAP29 is on the minus strand). VCF-style: chr1-94174289-A-T. GRCh37 (hg19) VCF-style: chr1-94639845-A-T.
Other names: c.3366T>A, p.Thr1122= (NM_001328664.2); c.3174T>A, p.Thr1058= (NM_001328665.2, NM_001328667.2); c.3339T>A, p.Thr1113= (NM_001328666.2).
Identifiers: ClinVar variation 733874 (VCV000733874.8), dbSNP rs143262937, ClinGen allele CA959077.

ClinVar aggregate classification (germline): Benign/Likely benign. Review status: criteria provided, multiple submitters, no conflicts (2 of 4 stars). 4 submissions from 4 submitters: Benign (2); Likely benign (1). 1 of the submissions does not count toward it. Last evaluated 2024-11-25.

Conditions:
ARHGAP29-related disorder. Also called: ARHGAP29-related condition; ARHGAP29-Related Disorders.

Allele frequency attached by ClinVar (database versions not stated): gnomAD exomes 0.00016 and 0.00033; ExAC 0.00040; gnomAD 0.00067 and 0.00072; TOPMed 0.00084; ESP Exome Variant Server 0.00115; 1000 Genomes Project 30x 0.00156; 1000 Genomes Project 0.00200.
gnomAD v4.1: 368 of 1,614,126 alleles (0.023%); highest among the groups gnomAD compares: Middle Eastern, 0.36%; 2 homozygotes.

Submissions (4):

Blueprint Genetics
Classification: Likely benign. Last evaluated: 2024-11-25. Review status: criteria provided, single submitter. Criteria: ACMG Guidelines, 2015. Collection method: clinical testing. Allele origin: germline.

Labcorp Genetics (formerly Invitae), Labcorp
Classification: Benign. Last evaluated: 2019-12-31. Review status: criteria provided, single submitter. Criteria: Invitae Variant Classification Sherloc (09022015). Collection method: clinical testing. Allele origin: germline.

Breakthrough Genomics
Classification: Benign. Review status: criteria provided, single submitter. Criteria: ACMG Guidelines, 2015. Collection method: not provided. Allele origin: germline. Inheritance: Unknown mechanism. Affected: yes.

PreventionGenetics, part of Exact Sciences
Classification: Likely benign for ARHGAP29-related condition. Last evaluated: 2019-06-13. Review status: no assertion criteria provided. Collection method: clinical testing. Allele origin: germline. Not counted in ClinVar's aggregate classification.
Comment: This variant is classified as likely benign based on ACMG/AMP sequence variant interpretation guidelines (Richards et al. 2015 PMID: 25741868, with internal and published modifications).